The following is an entry in ClinVar:

ClinVar aggregate classification (germline): Uncertain significance. Review status: criteria provided, multiple submitters, no conflicts (2 of 4 stars). 2 submissions from 2 submitters: Uncertain significance (2). Last evaluated 2021-12-03.

Conditions:
Sitosterolemia (STSL). Also called: PHYTOSTEROLEMIA. Identifiers: Orphanet 2882, MedGen C0342907, MONDO:0008863.

gnomAD v4.1: 10 of 1,580,708 alleles (0.00063%); highest among the groups gnomAD compares: Non-Finnish European, 0.00077%; no homozygotes.

Submissions (2):

Labcorp Genetics (formerly Invitae), Labcorp
Classification: Uncertain significance for Sitosterolemia. Last evaluated: 2021-12-03. Review status: criteria provided, single submitter. Criteria: Invitae Variant Classification Sherloc (09022015). Collection method: clinical testing. Allele origin: germline.
Comment: In summary, the available evidence is currently insufficient to determine the role of this variant in disease. Therefore, it has been classified as a Variant of Uncertain Significance. Algorithms developed to predict the effect of missense changes on protein structure and function (SIFT, PolyPhen-2, Align-GVGD) all suggest that this variant is likely to be disruptive. ClinVar contains an entry for this variant (Variation ID: 1310270). This variant has not been reported in the literature in individuals affected with ABCG5-related conditions. The frequency data for this variant in the population databases is considered unreliable, as metrics indicate poor data quality at this position in the gnomAD database. This sequence change replaces glycine, which is neutral and non-polar, with tryptophan, which is neutral and slightly polar, at codon 101 of the ABCG5 protein (p.Gly101Trp).

GeneDx
Classification: Uncertain significance. Last evaluated: 2020-06-17. Review status: criteria provided, single submitter. Criteria: GeneDx Variant Classification Process June 2021. Collection method: clinical testing. Allele origin: germline. Affected: yes.
Comment: Not observed at a significant frequency in large population cohorts (Lek et al., 2016); In silico analysis, which includes protein predictors and evolutionary conservation, supports a deleterious effect; Has not been previously published as pathogenic or benign to our knowledge

NM_022436.3(ABCG5):c.301G>T (p.Gly101Trp)

Gene: ABCG5 (ATP binding cassette subfamily G member 5; minus strand). Cytogenetic location: 2p21.
Variant type: single nucleotide variant.
Coding change: c.301G>T on transcript NM_022436.3 (MANE Select); coding-DNA position 301, G replaced by T.
Protein change: p.Gly101Trp; replaces glycine 101 with tryptophan.
Molecular consequence: missense variant.
Genome position (GRCh38, 1-based): chr2:43,832,048, C>A on the plus strand (G>T on the coding strand, the complement: ABCG5 is on the minus strand). VCF-style: chr2-43832048-C-A. GRCh37 (hg19) VCF-style: chr2-44059187-C-A.
Other names: short protein forms G101W.
Identifiers: ClinVar variation 1310270 (VCV001310270.7), dbSNP rs1010631695, ClinGen allele CA46470779.
Genomic context (GRCh38, chr2:43,832,048, plus strand): 5'-GCAGCGCCCGGCCGTTCACATACACCTCCCCCAGGAAGGTCCCCGCGCGCCCCAGCCTCC[C>A]GGACATGGCGTCCAGCAGCGTGGTTTTCCCGGAGCCTGCGGGGCGACAACAGAAGGCCCT-3'
Protein context (NP_071881.1, residues 91-111): GKTTLLDAMS[Gly101Trp]RLGRAGTFLG